The following is an entry in ClinVar:

NM_000179.3(MSH6):c.1612dup (p.Tyr538fs)

Gene: MSH6 (mutS homolog 6; plus strand). Cytogenetic location: 2p16.3.
Variant type: Duplication.
Coding change: c.1612dup on transcript NM_000179.3 (MANE Select); coding-DNA position 1612, one base duplicated (T; older notation c.1612dupT).
Protein change: p.Tyr538fs; shifts the reading frame from tyrosine 538.
Molecular consequence: frameshift variant.
Genome position (GRCh38, 1-based): chr2:47,799,595, T duplicated. VCF-style (leftmost placement, unchanged base first): chr2-47799594-G-GT. GRCh37 (hg19) VCF-style: chr2-48026733-G-GT.
Other names: c.1612dupT (NM_000179.2); c.1222dup, p.Tyr408fs (NM_001281492.2); c.706dup, p.Tyr236fs (NM_001281493.2, NM_001281494.2); short protein forms Y236fs, Y408fs, Y538fs.
Identifiers: ClinVar variation 629250 (VCV000629250.8), dbSNP rs1230092559, ClinGen allele CA769509339.
Genomic context (GRCh38, chr2:47,799,594, plus strand): 5'-TACCAAGGGTACACAGACTTACAGTGTGCTGGAAGGTGATCCCTCTGAGAACTACAGTAA[G>GT]TATCTTCTTAGCCTCAAAGAAAAAGAGGAAGATTCTTCTGGCCATACTCGTGCATATGGT-3'

ClinVar aggregate classification (germline): Pathogenic. Review status: criteria provided, multiple submitters, no conflicts (2 of 4 stars). 4 submissions from 4 submitters: Pathogenic (3). 1 of the submissions does not count toward it. Last evaluated 2023-08-15.

Conditions:
Lynch syndrome 5 (LYNCH5). Also called: Hereditary non-polyposis colorectal cancer, type 5; Colorectal cancer, hereditary nonpolyposis, type 5. Identifiers: Orphanet 144, MedGen C1833477, MONDO:0013710, OMIM 614350. Disease mechanism: loss of function.
Carcinoma of colon (CRC). Also called: Colon carcinoma; Colonic carcinoma. Identifiers: MedGen C0699790, MONDO:0002032.
Hereditary cancer-predisposing syndrome. Also called: Hereditary neoplastic syndrome; Tumor predisposition; Neoplastic Syndromes, Hereditary; Hereditary Cancer Syndrome. Identifiers: Orphanet 140162, MedGen C0027672, MeSH D009386, MONDO:0015356.

Allele frequency attached by ClinVar (database versions not stated): TOPMed below 0.00001; gnomAD 0.00001.

Submissions (4):

Myriad Genetics, Inc.
Classification: Pathogenic for Lynch syndrome 5. Last evaluated: 2023-08-15. Review status: criteria provided, single submitter. Criteria: Myriad Autosomal Dominant, Autosomal Recessive and X-Linked Classification Criteria (2023). Collection method: clinical testing. Allele origin: unknown.
Comment: This variant is considered pathogenic. This variant creates a frameshift predicted to result in premature protein truncation.

Color Diagnostics, LLC DBA Color Health
Classification: Pathogenic for Hereditary cancer-predisposing syndrome. Last evaluated: 2020-01-15. Review status: criteria provided, single submitter. Criteria: ACMG Guidelines, 2015. Collection method: clinical testing. Allele origin: germline.
Comment: This variant inserts 1 nucleotide in exon 4 of the MSH6 gene, creating a frameshift and premature translation stop signal. This variant is expected to result in an absent or non-functional protein product. This variant has not been identified in the general population by the Genome Aggregation Database (gnomAD). Loss of MSH6 function is a known mechanism of disease. Based on the available evidence, this variant is classified as Pathogenic.

Ambry Genetics
Classification: Pathogenic for Hereditary cancer-predisposing syndrome. Last evaluated: 2018-07-18. Review status: criteria provided, single submitter. Criteria: Ambry Variant Classification Scheme 2023. Collection method: clinical testing. Allele origin: germline.
Comment: The c.1612dupT pathogenic mutation, located in coding exon 4 of the MSH6 gene, results from a duplication of T at nucleotide position 1612, causing a translational frameshift with a predicted alternate stop codon (p.Y538Lfs*4). This alteration is expected to result in loss of function by premature protein truncation or nonsense-mediated mRNA decay. As such, this alteration is interpreted as a disease-causing mutation.

Department of Pathology and Laboratory Medicine, Sinai Health System
Classification: Pathogenic for Carcinoma of colon. Review status: no assertion criteria provided. Collection method: clinical testing. Allele origin: unknown. Affected: yes. Study: The Canadian Open Genetics Repository (COGR). Not counted in ClinVar's aggregate classification.
Comment: The MSH6 p.Tyr538LeufsX4 variant was not identified in the literature nor was it identified in the dbSNP, ClinVar, Cosmic, MutDB, UMD-LSDB, Insight Colon Cancer Gene Variant Database, Zhejiang Colon Cancer Database, Mismatch Repair Genes Variant Database, MMR Gene Unclassified Variants Database, or Insight Hereditary Tumors Database. The variant was not identified in the following control databases: the 1000 Genomes Project, the NHLBI GO Exome Sequencing Project, the Exome Aggregation Consortium (August 8th 2016), or the Genome Aggregation Database (Feb 27, 2017). The p. Tyr538LeufsX4 variant is predicted to cause a frameshift, which alters the protein's amino acid sequence beginning at codon 538 and leads to a premature stop codon at position 541. This alteration is then predicted to result in a truncated or absent protein and loss of function. Loss of function variants of the MSH6 gene are an established mechanism of disease in Lynch syndrome and is the type of variant expected to cause the disorder. In summary, based on the above information this variant meets our laboratoryâ€šÃ„Ã´s criteria to be classified as pathogenic.